The following is an entry in ClinVar:

NM_000321.3(RB1):c.-12C>T

Gene: RB1 (RB transcriptional corepressor 1; plus strand). Cytogenetic location: 13q14.2.
Variant type: single nucleotide variant.
Coding change: c.-12C>T on transcript NM_000321.3 (MANE Select); 12 bases upstream of the start codon, C replaced by T.
Molecular consequence: 5 prime UTR variant.
Genome position (GRCh38, 1-based): chr13:48,303,901, C>T. VCF-style: chr13-48303901-C-T. GRCh37 (hg19) VCF-style: chr13-48878037-C-T.
Other names: c.-12C>T (NM_001407165.1, NM_001407166.1, NM_001407167.1).
Identifiers: ClinVar variation 3612680 (VCV003612680.2).

ClinVar aggregate classification (germline): Uncertain significance (1 of 4 stars; one submission).

Conditions:
Retinoblastoma (RB1). Also called: RETINOBLASTOMA, SOMATIC. Identifiers: Orphanet 790, MedGen C0035335, MeSH D012175, MONDO:0008380, OMIM 180200, HP:0009919. Disease mechanism: loss of function. Inheritance: Both sporadic and heritable forms are tested..

gnomAD v4.1: 1 of 1,514,854 alleles (0.000066%); highest among the groups gnomAD compares: Non-Finnish European, 0.000088%; no homozygotes.

Submission:

Labcorp Genetics (formerly Invitae), Labcorp
Classification: Uncertain significance for Retinoblastoma. Last evaluated: 2025-01-23. Review status: criteria provided, single submitter. Criteria: Invitae Variant Classification Sherloc (09022015). Collection method: clinical testing. Allele origin: germline.
Comment: This variant occurs in a non-coding region of the RB1 gene. It does not change the encoded amino acid sequence of the RB1 protein. This variant is not present in population databases (gnomAD no frequency). This variant has not been reported in the literature in individuals affected with RB1-related conditions. In summary, the available evidence is currently insufficient to determine the role of this variant in disease. Therefore, it has been classified as a Variant of Uncertain Significance.